The following is an entry in ClinVar:

NM_002617.4(PEX10):c.601-7C>T

Gene: PEX10 (peroxisomal biogenesis factor 10; minus strand). Cytogenetic location: 1p36.32.
Variant type: single nucleotide variant.
Coding change: c.601-7C>T on transcript NM_002617.4 (MANE Select); 7 bases into the intron before coding-DNA position 601, C replaced by T.
Molecular consequence: intron variant. On other transcripts: synonymous variant (3).
Genome position (GRCh38, 1-based): chr1:2,406,902, G>A on the plus strand (C>T on the coding strand, the complement: PEX10 is on the minus strand). VCF-style: chr1-2406902-G-A. GRCh37 (hg19) VCF-style: chr1-2338341-G-A.
Other names: c.651C>T, p.Ala217= (NM_001374425.1); c.219C>T, p.Ala73= (NM_001374426.1); c.654C>T, p.Ala218= (NM_153818.2); c.169-7C>T (NM_001374427.1).
Identifiers: ClinVar variation 707987 (VCV000707987.12), dbSNP rs772097260, ClinGen allele CA538096.

ClinVar aggregate classification (germline): Likely benign. Review status: criteria provided, multiple submitters, no conflicts (2 of 4 stars). 3 submissions from 3 submitters: Likely benign (2). 1 of the submissions does not count toward it. Last evaluated 2026-01-19.

Conditions:
Peroxisome biogenesis disorder, complementation group 7 (CG7). Also called: Peroxisome biogenesis disorder, complementation group B. Identifiers: MedGen C1864399.
PEX10-related disorder. Also called: PEX10-related condition.

Allele frequency attached by ClinVar (database versions not stated): gnomAD exomes 0.00002 and 0.00004; ExAC 0.00003; TOPMed 0.00003.

Submissions (3):

Labcorp Genetics (formerly Invitae), Labcorp
Classification: Likely benign for Peroxisome biogenesis disorder, complementation group 7. Last evaluated: 2026-01-19. Review status: criteria provided, single submitter. Criteria: Invitae Variant Classification Sherloc (09022015). Collection method: clinical testing. Allele origin: germline.

Blueprint Genetics
Classification: Likely benign. Last evaluated: 2019-04-09. Review status: criteria provided, single submitter. Criteria: ACMG Guidelines, 2015. Collection method: clinical testing. Allele origin: germline.

PreventionGenetics, part of Exact Sciences
Classification: Likely benign for PEX10-related condition. Last evaluated: 2023-06-13. Review status: no assertion criteria provided. Collection method: clinical testing. Allele origin: germline. Not counted in ClinVar's aggregate classification.
Comment: This variant is classified as likely benign based on ACMG/AMP sequence variant interpretation guidelines (Richards et al. 2015 PMID: 25741868, with internal and published modifications).